The following is an entry in ClinVar:

ClinVar aggregate classification (germline): Benign/Likely benign. Review status: criteria provided, multiple submitters, no conflicts (2 of 4 stars). 3 submissions from 3 submitters: Benign (1); Likely benign (2). Last evaluated 2026-01-04.

Submissions (3):

Labcorp Genetics (formerly Invitae), Labcorp
Classification: Benign. Last evaluated: 2026-01-04. Review status: criteria provided, single submitter. Criteria: Invitae Variant Classification Sherloc (09022015). Collection method: clinical testing. Allele origin: germline.

Blueprint Genetics
Classification: Likely benign. Last evaluated: 2024-11-21. Review status: criteria provided, single submitter. Criteria: ACMG Guidelines, 2015. Collection method: clinical testing. Allele origin: germline.

CeGaT Center for Human Genetics Tuebingen
Classification: Likely benign. Last evaluated: 2023-01-01. Review status: criteria provided, single submitter. Criteria: CeGaT Center For Human Genetics Tuebingen Variant Classification Criteria Version 2. Collection method: clinical testing. Allele origin: germline. Affected: yes. Observed: 1 variant allele.
Comment: POLA1: BP4

NM_001330360.2(POLA1):c.1771+16dup

Gene: POLA1 (DNA polymerase alpha 1, catalytic subunit; plus strand). Cytogenetic location: Xp22.11.
Variant type: Duplication.
Coding change: c.1771+16dup on transcript NM_001330360.2 (MANE Select); 16 bases into the intron after coding-DNA position 1771, one base duplicated (T; older notation c.1771+16dupT).
Molecular consequence: intron variant.
Genome position (GRCh38, 1-based): chrX:24,732,470, T duplicated; the last of 9 consecutive T bases (chrX:24,732,462-24,732,470); duplicating any one gives the same sequence. VCF-style (leftmost placement, unchanged base first): chrX-24732461-A-AT. GRCh37 (hg19) VCF-style: chrX-24750578-A-AT.
Other names: c.1696+16dup (NM_001378303.1); c.1753+16dup (NM_016937.4).
Identifiers: ClinVar variation 1600309 (VCV001600309.32), dbSNP rs752493068, ClinGen allele CA10373025.